The following is an entry in ClinVar:

ClinVar aggregate classification (germline): Uncertain significance (1 of 4 stars; one submission).

Submission:

Labcorp Genetics (formerly Invitae), Labcorp
Classification: Uncertain significance. Last evaluated: 2024-03-17. Review status: criteria provided, single submitter. Criteria: Invitae Variant Classification Sherloc (09022015). Collection method: clinical testing. Allele origin: germline.
Comment: This sequence change falls in intron 5 of the LMBR1 gene. It does not directly change the encoded amino acid sequence of the LMBR1 protein. This variant is not present in population databases (gnomAD no frequency). This variant has not been reported in the literature in individuals affected with LMBR1-related conditions. Studies have shown that this variant affects the ZPA regulatory sequence (ZRS) within intron 5 of the LMBR1 gene, which regulates the expression of certain genes that are important for limb development (PMID: 29651423). In summary, the available evidence is currently insufficient to determine the role of this variant in disease. Therefore, it has been classified as a Variant of Uncertain Significance.

Literature cited by the submitters: PubMed 29651423.

NM_022458.4(LMBR1):c.423+5068G>A

Genes: LMBR1 (limb development membrane protein 1; minus strand), ZRS (ZPA regulatory sequence; plus strand). Cytogenetic location: 7q36.3.
Variant type: single nucleotide variant.
Coding change: c.423+5068G>A on transcript NM_022458.4 (MANE Select); 5068 bases into the intron after coding-DNA position 423, G replaced by A.
Molecular consequence: intron variant.
Genome position (GRCh38, 1-based): chr7:156,791,321, C>T on the plus strand (G>A on the coding strand, the complement: LMBR1 is on the minus strand). VCF-style: chr7-156791321-C-T. GRCh37 (hg19) VCF-style: chr7-156584015-C-T.
Other names: c.360+5068G>A (NM_001363412.2); c.144+5068G>A (NM_001350954.2); c.423+5068G>A (NM_001363410.2, NM_001363409.2, NM_001350953.2); c.-112+5068G>A (NM_001350958.2, NM_001350956.2, NM_001350955.2 and 1 more transcripts); c.54+5068G>A (NM_001350957.2, NM_001363411.2).
Identifiers: ClinVar variation 2865245 (VCV002865245.3), dbSNP rs2536130331, ClinGen allele CA2579850991.